The following is an entry in ClinVar:

NM_015512.5(DNAH1):c.12150G>A (p.Lys4050=)

Gene: DNAH1 (dynein axonemal heavy chain 1; plus strand). Cytogenetic location: 3p21.1.
Variant type: single nucleotide variant.
Coding change: c.12150G>A on transcript NM_015512.5 (MANE Select); coding-DNA position 12150, G replaced by A.
Protein change: p.Lys4050=; no amino-acid change (lysine 4050 retained).
Molecular consequence: synonymous variant.
Genome position (GRCh38, 1-based): chr3:52,398,910, G>A. VCF-style: chr3-52398910-G-A. GRCh37 (hg19) VCF-style: chr3-52432926-G-A.
Identifiers: ClinVar variation 3025535 (VCV003025535.22), dbSNP rs574007104, ClinGen allele CA2436421.
Genomic context (GRCh38, chr3:52,398,910, plus strand): 5'-GTACAATCGGCTGCTGCAGGTGATCACACAGACACTGCAAGACCTACTCAAGGCACTCAA[G>A]GGGCTGGTAGTGATGTCCTCTCAGCTGGAGCTGATGGCTGCCAGCCTGTACAACAATACT-3'
Protein context (NP_056327.4, residues 4040-4060): QTLQDLLKAL[Lys4050=]GLVVMSSQLE

ClinVar aggregate classification (germline): Likely benign (1 of 4 stars; one submission).

Allele frequency attached by ClinVar (database versions not stated): gnomAD exomes below 0.00001; ExAC 0.00002; 1000 Genomes Project 0.00020; 1000 Genomes Project 30x 0.00031.
gnomAD v4.1: 5 of 1,607,504 alleles (0.00031%); highest among the groups gnomAD compares: African/African-American, 0.0053%; no homozygotes.

Submission:

CeGaT Center for Human Genetics Tuebingen
Classification: Likely benign. Last evaluated: 2024-01-01. Review status: criteria provided, single submitter. Criteria: CeGaT Center For Human Genetics Tuebingen Variant Classification Criteria Version 2. Collection method: clinical testing. Allele origin: germline. Affected: yes. Observed: 1 variant allele.
Comment: DNAH1: BP4, BP7